The following is an entry in ClinVar:

ClinVar aggregate classification (germline): Pathogenic. Review status: criteria provided, single submitter (1 of 4 stars). 2 submissions from 2 submitters: Pathogenic (1). 1 of the submissions does not count toward it. Last evaluated 2021-01-25.

Conditions:
Sjögren-Larsson syndrome (SLS). Also called: FALDH DEFICIENCY; FATTY ALCOHOL:NAD+ OXIDOREDUCTASE DEFICIENCY; FATTY ALDEHYDE DEHYDROGENASE DEFICIENCY; ICHTHYOSIS, SPASTIC NEUROLOGIC DISORDER, AND OLIGOPHRENIA. Identifiers: Orphanet 816, MedGen C0037231, MONDO:0010031, OMIM 270200.

Submissions (2):

Women's Health and Genetics/Laboratory Corporation of America, LabCorp
Classification: Pathogenic for Sjögren-Larsson syndrome. Last evaluated: 2021-01-25. Review status: criteria provided, single submitter. Criteria: LabCorp Variant Classification Summary - May 2015. Collection method: clinical testing. Allele origin: germline.
Comment: Variant summary: ALDH3A2 c.472-2A>G is located in a canonical splice-site and is predicted to affect mRNA splicing resulting in a significantly altered protein due to either exon skipping, shortening, or inclusion of intronic material. Several computational tools predict a significant impact on normal splicing: Four predict the variant abolishes a 3' acceptor site. At least one publication reports experimental evidence that this variant affects mRNA splicing resulting in an in-frame deletion of the first 33 nucleotides within exon 4 of the mRNA and a predicted loss of 11 amino acids from the FALDH protein. The variant was absent in 251306 control chromosomes. c.472-2A>G has been reported in the literature in at-least one individual affected with Sjogren-Larsson Syndrome (example, Rizzo_1999) and has been subsequently cited by others. These data do not allow any conclusion about variant significance. One clinical diagnostic laboratory has submitted clinical-significance assessments for this variant to ClinVar after 2014 without evidence for independent evaluation and classified the variant as likely pathogenic citing an overlapping evidence utilized in the context of this evaluation. Based on the evidence outlined above, the variant was classified as pathogenic.

Counsyl
Classification: Likely pathogenic for Sjögren-Larsson syndrome. Last evaluated: 2017-10-19. Review status: no assertion criteria provided. Collection method: clinical testing. Allele origin: unknown. Not counted in ClinVar's aggregate classification.

Literature cited by the submitters: PubMed 21872273 (cited by Women's Health and Genetics/Laboratory Corporation of America, LabCorp); PubMed 10577908 (cited by Women's Health and Genetics/Laboratory Corporation of America, LabCorp and Counsyl); PubMed 15931689 (cited by Women's Health and Genetics/Laboratory Corporation of America, LabCorp); PubMed 25855245 (cited by Women's Health and Genetics/Laboratory Corporation of America, LabCorp).

NM_000382.3(ALDH3A2):c.472-2A>G

Gene: ALDH3A2 (aldehyde dehydrogenase 3 family member A2; plus strand). Cytogenetic location: 17p11.2.
Variant type: single nucleotide variant.
Coding change: c.472-2A>G on transcript NM_000382.3 (MANE Select); the canonical splice acceptor site of the intron before coding-DNA position 472, A replaced by G.
Molecular consequence: splice acceptor variant.
Genome position (GRCh38, 1-based): chr17:19,656,364, A>G. VCF-style: chr17-19656364-A-G. GRCh37 (hg19) VCF-style: chr17-19559677-A-G.
Other names: c.-108-2A>G (NM_001369148.2); c.472-2A>G (NM_001369137.2, NM_001369138.2, NM_001369146.2 and 3 more transcripts).
Identifiers: ClinVar variation 554479 (VCV000554479.3), dbSNP rs2544371353, ClinGen allele CA398705818.